The following is an entry in ClinVar:

ClinVar aggregate classification (germline): Likely pathogenic (1 of 4 stars; one submission).

Conditions:
TTN-related myopathy. Identifiers: MedGen CN294812, MONDO:0100175.

Submission:

Victorian Clinical Genetics Services, Murdoch Childrens Research Institute
Classification: Likely pathogenic for TTN-related myopathy. Last evaluated: 2022-02-02. Review status: criteria provided, single submitter. Criteria: ACMG Guidelines, 2015. Collection method: clinical testing. Allele origin: germline. Inheritance: Autosomal recessive inheritance.
Comment: Based on the classification scheme VCGS_Germline_v1.3.4, this variant is classified as likely pathogenic. Following criteria are met: 0102 - Loss of function is known mechanism of disease in this gene. In addition, dominant-negative is also a suggested mechanism (PMID: 25589632). (I) 0108 - This gene is associated with both recessive and dominant disease (OMIM). (I) 0112 - The condition associated with this gene has incomplete penetrance. Variants in this gene that result in a premature truncating codon (PTC) are known to have reduced penetrance in DCM (PMID: 25589632). (I) 0201 - Variant is predicted to cause nonsense-mediated decay (NMD) and loss of protein (premature termination codon is located at least 54 nucleotides upstream of the final exon-exon junction). (SP) 0251 - This variant is heterozygous. (I) 0301 - Variant is absent from gnomAD (both v2 and v3) however there is low coverage over this region. (N) 0604 - Variant is not located in an established domain, motif, hotspot or informative constraint region. (I) 0703 - Other NMD-predicted variants comparable to the one identified in this case have moderate previous evidence for pathogenicity (ClinVar). (SP) 0807 - This variant has no previous evidence of pathogenicity. (I) 0905 - No published segregation evidence has been identified for this variant. (I) 1007 - No published functional evidence has been identified for this variant. (I) Legend: (SP) - Supporting pathogenic, (I) - Information, (SB) - Supporting benign

Literature cited by the submitters: PubMed 25589632.

NM_001267550.2(TTN):c.37193del (p.Pro12398fs)

Gene: TTN (titin; minus strand). Cytogenetic location: 2q31.2.
Variant type: Deletion.
Coding change: c.37193del on transcript NM_001267550.2 (MANE Select); coding-DNA position 37193, one base deleted (C; older notation c.37193delC).
Protein change: p.Pro12398fs; shifts the reading frame from proline 12398.
Molecular consequence: frameshift variant. On other transcripts: intron variant (5).
Genome position (GRCh38, 1-based): chr2:178,661,956, G deleted on the plus strand (C on the coding strand, the reverse complement: TTN is on the minus strand); the first of 2 consecutive G bases (chr2:178,661,956-178,661,957); deleting either gives the same sequence. VCF-style (leftmost placement, unchanged base first): chr2-178661955-AG-A. GRCh37 (hg19) VCF-style: chr2-179526682-AG-A.
Other names: c.13283-19639del (NM_003319.4); c.13859-19639del (NM_133437.4); c.13658-19639del (NM_133432.3); c.31573+1010del (NM_133378.4); c.34354+1010del (NM_001256850.1); c.37193delC (NM_001267550.1); short protein forms P12398fs.
Identifiers: ClinVar variation 3376606 (VCV003376606.1).